The following is an entry in ClinVar:

NM_002500.5(NEUROD1):c.1043C>T (p.Ala348Val)

Gene: NEUROD1 (neuronal differentiation 1; minus strand). Cytogenetic location: 2q31.3.
Variant type: single nucleotide variant.
Coding change: c.1043C>T on transcript NM_002500.5 (MANE Select); coding-DNA position 1043, C replaced by T.
Protein change: p.Ala348Val; replaces alanine 348 with valine.
Molecular consequence: missense variant.
Genome position (GRCh38, 1-based): chr2:181,677,818, G>A on the plus strand (C>T on the coding strand, the complement: NEUROD1 is on the minus strand). VCF-style: chr2-181677818-G-A. GRCh37 (hg19) VCF-style: chr2-182542545-G-A.
Other names: c.1043C>T (NM_002500.4); short protein forms A348V.
Identifiers: ClinVar variation 1506659 (VCV001506659.9), dbSNP rs771797718, ClinGen allele CA349781836.

ClinVar aggregate classification (germline): Uncertain significance. Review status: criteria provided, multiple submitters, no conflicts (2 of 4 stars). 3 submissions from 3 submitters: Uncertain significance (3). Last evaluated 2024-01-31.

Conditions:
NEUROD1-related disorder. Also called: NEUROD1-related condition.
Type 2 diabetes mellitus. Also called: Type II diabetes mellitus. Identifiers: MedGen C0011860, MeSH D003924, MONDO:0005148, OMIM 125853, HP:0005978.
Maturity-onset diabetes of the young type 6 (MODY6). Identifiers: Orphanet 552, MedGen C1853371, MONDO:0011668, OMIM 606394.

Allele frequency attached by ClinVar (database versions not stated): gnomAD 0.00001; TOPMed 0.00004.

Submissions (3):

Fulgent Genetics
Classification: Uncertain significance for Type 2 diabetes mellitus; Maturity-onset diabetes of the young type 6. Last evaluated: 2024-01-31. Review status: criteria provided, single submitter. Criteria: ACMG Guidelines, 2015. Collection method: clinical testing. Allele origin: germline.

PreventionGenetics, part of Exact Sciences
Classification: Uncertain significance for NEUROD1-related condition. Last evaluated: 2023-06-27. Review status: criteria provided, single submitter. Criteria: ACMG Guidelines, 2015. Collection method: clinical testing. Allele origin: germline.
Comment: The NEUROD1 c.1043C>T variant is predicted to result in the amino acid substitution p.Ala348Val. To our knowledge, this variant has not been reported in the literature. This variant is reported in 0.0029% of alleles in individuals of Latino descent in gnomAD. At this time, the clinical significance of this variant is uncertain due to the absence of conclusive functional and genetic evidence.

Labcorp Genetics (formerly Invitae), Labcorp
Classification: Uncertain significance. Last evaluated: 2023-05-29. Review status: criteria provided, single submitter. Criteria: Invitae Variant Classification Sherloc (09022015). Collection method: clinical testing. Allele origin: germline.
Comment: In summary, the available evidence is currently insufficient to determine the role of this variant in disease. Therefore, it has been classified as a Variant of Uncertain Significance. Advanced modeling of protein sequence and biophysical properties (such as structural, functional, and spatial information, amino acid conservation, physicochemical variation, residue mobility, and thermodynamic stability) performed at Invitae indicates that this missense variant is not expected to disrupt NEUROD1 protein function. ClinVar contains an entry for this variant (Variation ID: 1506659). This variant has not been reported in the literature in individuals affected with NEUROD1-related conditions. This variant is present in population databases (no rsID available, gnomAD 0.003%). This sequence change replaces alanine, which is neutral and non-polar, with valine, which is neutral and non-polar, at codon 348 of the NEUROD1 protein (p.Ala348Val).